The following is an entry in ClinVar:

NM_002907.4(RECQL):c.1856A>T (p.Asn619Ile)

Genes: PYROXD1 (pyridine nucleotide-disulphide oxidoreductase domain 1; plus strand), RECQL (RecQ like helicase; minus strand). Cytogenetic location: 12p12.1.
Variant type: single nucleotide variant.
Coding change: c.1856A>T on transcript NM_002907.4 (MANE Select); coding-DNA position 1856, A replaced by T.
Protein change: p.Asn619Ile; replaces asparagine 619 with isoleucine.
Molecular consequence: missense variant. On other transcripts: 3 prime UTR variant (3).
Genome position (GRCh38, 1-based): chr12:21,470,288, T>A on the plus strand (A>T on the coding strand, the complement: RECQL is on the minus strand). VCF-style: chr12-21470288-T-A. GRCh37 (hg19) VCF-style: chr12-21623222-T-A.
Other names: c.1856A>T, p.Asn619Ile (NM_032941.3); c.*1534T>A (NM_001350912.2, NM_001350913.2, NM_024854.5); short protein forms N619I.
Identifiers: ClinVar variation 1686268 (VCV001686268.3), dbSNP rs2137305371, ClinGen allele CA384113825.
Genomic context (GRCh38, chr12:21,470,288, plus strand): 5'-GTATTCTTAGAACCAGATTGCTGAAGCATGTTTGCAGCCTTCTTCTGGAAGTTGCCTGAA[T>A]TTTTTTCCTCCATCTTTTTATCACCTTGTTCAGAATGACAAGTTTGAGACGATTCAGCCT-3'
Protein context (NP_002898.2, residues 609-629): EQGDKKMEEK[Asn619Ile]SGNFQKKAAN

ClinVar aggregate classification (germline): Conflicting classifications of pathogenicity. Review status: criteria provided, conflicting classifications (1 of 4 stars). 2 submissions from 2 submitters: Uncertain significance (1); Benign (1). Last evaluated 2023-01-20.

Submissions (2):

Ambry Genetics
Classification: Uncertain significance. Last evaluated: 2023-01-20. Review status: criteria provided, single submitter. Criteria: Ambry Variant Classification Scheme 2023. Collection method: clinical testing. Allele origin: germline.
Comment: The p.N619I variant (also known as c.1856A>T), located in coding exon 14 of the RECQL gene, results from an A to T substitution at nucleotide position 1856. The asparagine at codon 619 is replaced by isoleucine, an amino acid with dissimilar properties. This amino acid position is conserved. In addition, this alteration is predicted to be tolerated by in silico analysis. Since supporting evidence is limited at this time, the clinical significance of this alteration remains unclear.

Mendelics
Classification: Benign. Last evaluated: 2022-05-04. Review status: criteria provided, single submitter. Criteria: Mendelics Assertion Criteria 2019. Collection method: clinical testing. Allele origin: germline.